The following is an entry in ClinVar:

ClinVar aggregate classification (germline): Uncertain significance (1 of 4 stars; one submission).

Submission:

GeneDx
Classification: Uncertain significance. Last evaluated: 2025-05-12. Review status: criteria provided, single submitter. Criteria: GeneDx Variant Classification Process June 2021. Collection method: clinical testing. Allele origin: germline. Affected: yes.
Comment: Not observed at significant frequency in large population cohorts (gnomAD); In silico analysis supports that this missense variant has a deleterious effect on protein structure/function; Has not been previously published as pathogenic or benign to our knowledge

NM_014991.6(WDFY3):c.3869A>G (p.Tyr1290Cys)

Gene: WDFY3 (WD repeat and FYVE domain containing 3; minus strand). Cytogenetic location: 4q21.23.
Variant type: single nucleotide variant.
Coding change: c.3869A>G on transcript NM_014991.6 (MANE Select); coding-DNA position 3869, A replaced by G.
Protein change: p.Tyr1290Cys; replaces tyrosine 1290 with cysteine.
Molecular consequence: missense variant.
Genome position (GRCh38, 1-based): chr4:84,787,514, T>C on the plus strand (A>G on the coding strand, the complement: WDFY3 is on the minus strand). VCF-style: chr4-84787514-T-C. GRCh37 (hg19) VCF-style: chr4-85708667-T-C.
Other names: short protein forms Y1290C.
Identifiers: ClinVar variation 4529822 (VCV004529822.1).
Genomic context (GRCh38, chr4:84,787,514, plus strand): 5'-CTTCAAGAACTAAAAATAAGTTACTCACATGGCATACATACAGCCTGAAAGCTTCCAACA[T>C]AATTTGGTCCAAGTTCATAAATGGTAGTAACATTTGAAGAAGGTAAAACTTCTTCTAGAA-3'
Protein context (NP_055806.2, residues 1280-1300): VTTIYELGPN[Tyr1290Cys]VGSFQAVCMP